The following is an entry in ClinVar:

ClinVar aggregate classification (germline): Uncertain significance. Review status: criteria provided, multiple submitters, no conflicts (2 of 4 stars). 2 submissions from 2 submitters: Uncertain significance (2). Last evaluated 2024-01-20.

Conditions:
Colorectal cancer. Also called: Colorectal cancer, somatic; Malignant Colorectal Neoplasm. Identifiers: MedGen C0346629, MONDO:0005575, OMIM 114500.

Allele frequency attached by ClinVar (database versions not stated): gnomAD exomes below 0.00001.
gnomAD v4.1: 1 of 1,614,202 alleles (0.000062%); highest among the groups gnomAD compares: Admixed American, 0.0017%; no homozygotes.

Submissions (2):

Fulgent Genetics
Classification: Uncertain significance for Colorectal cancer. Last evaluated: 2024-01-20. Review status: criteria provided, single submitter. Criteria: ACMG Guidelines, 2015. Collection method: clinical testing. Allele origin: germline.

Labcorp Genetics (formerly Invitae), Labcorp
Classification: Uncertain significance. Last evaluated: 2023-02-16. Review status: criteria provided, single submitter. Criteria: Invitae Variant Classification Sherloc (09022015). Collection method: clinical testing. Allele origin: germline.
Comment: This sequence change replaces aspartic acid, which is acidic and polar, with tyrosine, which is neutral and polar, at codon 893 of the DLC1 protein (p.Asp893Tyr). This variant is not present in population databases (gnomAD no frequency). This variant has not been reported in the literature in individuals affected with DLC1-related conditions. An algorithm developed to predict the effect of missense changes on protein structure and function (PolyPhen-2) suggests that this variant is likely to be disruptive. In summary, the available evidence is currently insufficient to determine the role of this variant in disease. Therefore, it has been classified as a Variant of Uncertain Significance.

NM_182643.3(DLC1):c.2677G>T (p.Asp893Tyr)

Gene: DLC1 (DLC1 Rho GTPase activating protein; minus strand). Cytogenetic location: 8p22.
Variant type: single nucleotide variant.
Coding change: c.2677G>T on transcript NM_182643.3 (MANE Select); coding-DNA position 2677, G replaced by T.
Protein change: p.Asp893Tyr; replaces aspartic acid 893 with tyrosine.
Molecular consequence: missense variant.
Genome position (GRCh38, 1-based): chr8:13,099,660, C>A on the plus strand (G>T on the coding strand, the complement: DLC1 is on the minus strand). VCF-style: chr8-13099660-C-A. GRCh37 (hg19) VCF-style: chr8-12957169-C-A.
Other names: c.2677G>T, p.Asp893Tyr (NM_001348081.2, NM_001413124.1); c.1144G>T, p.Asp382Tyr (NM_001348082.2, NM_001348083.1, NM_001348084.2 and 6 more transcripts); c.1468G>T, p.Asp490Tyr (NM_001413129.1, NM_001316668.2); c.1459G>T, p.Asp487Tyr (NM_001413130.1); c.1117G>T, p.Asp373Tyr (NM_001413131.1, NM_001413137.1); c.1603G>T, p.Asp535Tyr (NM_001413132.1); c.1366G>T, p.Asp456Tyr (NM_001413135.1, NM_001413136.1, NM_001413139.1 and 1 more transcripts); c.1501G>T, p.Asp501Tyr (NM_001413140.1); short protein forms D373Y, D382Y, D456Y, D501Y, D535Y, D893Y, D487Y, D490Y.
Identifiers: ClinVar variation 3016509 (VCV003016509.4), dbSNP rs1585612635, ClinGen allele CA370344598.